The following is an entry in ClinVar:

ClinVar aggregate classification (germline): Uncertain significance. Review status: criteria provided, multiple submitters, no conflicts (2 of 4 stars). 2 submissions from 2 submitters: Uncertain significance (2). Last evaluated 2024-07-03.

Conditions:
Inborn genetic diseases. Identifiers: MedGen C0950123, MeSH D030342.
Neuropathy, hereditary sensory and autonomic, type 2A (HSAN2A). Also called: MORVAN DISEASE; NEUROPATHY, CONGENITAL SENSORY; NEUROPATHY, HEREDITARY SENSORY RADICULAR, AUTOSOMAL RECESSIVE; NEUROPATHY, HEREDITARY SENSORY, TYPE IIA; NEUROPATHY, PROGRESSIVE SENSORY, OF CHILDREN; ACROOSTEOLYSIS, GIACCAI TYPE. Identifiers: Orphanet 970, MedGen C2752089, MONDO:0024309, OMIM 201300.
Pseudohypoaldosteronism type 2C (PHA2C). Also called: Pseudohypoaldosteronism Type IIC. Identifiers: Orphanet 757, Orphanet 88940, MedGen C1840391, MONDO:0013778, OMIM 614492.

Allele frequency attached by ClinVar (database versions not stated): gnomAD exomes 0.00002; TOPMed below 0.00001; ExAC 0.00001; gnomAD 0.00001.
gnomAD v4.1: 14 of 1,614,056 alleles (0.00087%); highest among the groups gnomAD compares: Non-Finnish European, 0.00059%; no homozygotes.

Submissions (2):

Labcorp Genetics (formerly Invitae), Labcorp
Classification: Uncertain significance for Neuropathy, hereditary sensory and autonomic, type 2A; Pseudohypoaldosteronism type 2C. Last evaluated: 2024-07-03. Review status: criteria provided, single submitter. Criteria: Invitae Variant Classification Sherloc (09022015). Collection method: clinical testing. Allele origin: germline.
Comment: This sequence change replaces glycine, which is neutral and non-polar, with aspartic acid, which is acidic and polar, at codon 1468 of the WNK1 protein (p.Gly1468Asp). This variant is present in population databases (rs757939257, gnomAD 0.02%). This variant has not been reported in the literature in individuals affected with WNK1-related conditions. ClinVar contains an entry for this variant (Variation ID: 1740345). Advanced modeling of protein sequence and biophysical properties (such as structural, functional, and spatial information, amino acid conservation, physicochemical variation, residue mobility, and thermodynamic stability) performed at Invitae indicates that this missense variant is not expected to disrupt WNK1 protein function with a negative predictive value of 95%. In summary, the available evidence is currently insufficient to determine the role of this variant in disease. Therefore, it has been classified as a Variant of Uncertain Significance.

Ambry Genetics
Classification: Uncertain significance for Inborn genetic diseases. Last evaluated: 2020-06-11. Review status: criteria provided, single submitter. Criteria: Ambry Variant Classification Scheme 2023. Collection method: clinical testing. Allele origin: germline.
Comment: The p.G1468D variant (also known as c.4403G>A), located in coding exon 16 of the WNK1 gene, results from a G to A substitution at nucleotide position 4403. The glycine at codon 1468 is replaced by aspartic acid, an amino acid with similar properties. This amino acid position is well conserved in available vertebrate species. In addition, this alteration is predicted to be tolerated by in silico analysis. Since supporting evidence is limited at this time, the clinical significance of this alteration remains unclear.

NM_018979.4(WNK1):c.3647G>A (p.Gly1216Asp)

Gene: WNK1 (WNK lysine deficient protein kinase 1; plus strand). Cytogenetic location: 12p13.33.
Variant type: single nucleotide variant.
Coding change: c.3647G>A on transcript NM_018979.4 (MANE Select); coding-DNA position 3647, G replaced by A.
Protein change: p.Gly1216Asp; replaces glycine 1216 with aspartic acid.
Molecular consequence: missense variant.
Genome position (GRCh38, 1-based): chr12:883,552, G>A. VCF-style: chr12-883552-G-A. GRCh37 (hg19) VCF-style: chr12-992718-G-A.
Other names: c.4427G>A, p.Gly1476Asp (NM_001184985.2); c.2906G>A, p.Gly969Asp (NM_014823.3); c.4403G>A, p.Gly1468Asp (NM_213655.5); short protein forms G1216D, G969D, G1476D, G1468D.
Identifiers: ClinVar variation 1740345 (VCV001740345.5), dbSNP rs757939257, ClinGen allele CA6382809.